The following is an entry in ClinVar:

ClinVar aggregate classification (germline): Uncertain significance. Review status: criteria provided, multiple submitters, no conflicts (2 of 4 stars). 2 submissions from 2 submitters: Uncertain significance (2). Last evaluated 2024-03-08.

Conditions:
Mitochondrial DNA depletion syndrome 9 (MTDPS9). Also called: SUCLG1-Related Mitochondrial DNA Depletion Syndrome, Encephalomyopathic Form with Methylmalonic Aciduria. Identifiers: Orphanet 17, MedGen C3151476, MONDO:0009504, OMIM 245400.

Allele frequency attached by ClinVar (database versions not stated): ExAC 0.00007; ESP Exome Variant Server 0.00008.

Submissions (2):

3billion
Classification: Uncertain significance for Mitochondrial DNA depletion syndrome 9. Last evaluated: 2024-03-08. Review status: criteria provided, single submitter. Criteria: ACMG Guidelines, 2015. Collection method: clinical testing. Allele origin: germline. Affected: yes.
Comment: The variant is observed at an extremely low frequency in the gnomAD v2.1.1 dataset (total allele frequency: 0.006%). Predicted Consequence/Location: Intron variant In silico tools predict the variant to alter splicing and produce an abnormal transcript [SpliceAI: 0.99 (>=0.2, moderate evidence for spliceogenicity)]. Therefore, this variant is classified as VUS according to the recommendation of ACMG/AMP guideline.

Labcorp Genetics (formerly Invitae), Labcorp
Classification: Uncertain significance for Mitochondrial DNA depletion syndrome 9. Last evaluated: 2022-10-03. Review status: criteria provided, single submitter. Criteria: Invitae Variant Classification Sherloc (09022015). Collection method: clinical testing. Allele origin: germline.
Comment: This sequence change falls in intron 1 of the SUCLG1 gene. It does not directly change the encoded amino acid sequence of the SUCLG1 protein. The frequency data for this variant in the population databases is considered unreliable, as metrics indicate poor data quality at this position in the gnomAD database. This variant has not been reported in the literature in individuals affected with SUCLG1-related conditions. Algorithms developed to predict the effect of sequence changes on RNA splicing suggest that this variant may disrupt the consensus splice site. In summary, the available evidence is currently insufficient to determine the role of this variant in disease. Therefore, it has been classified as a Variant of Uncertain Significance.

NM_003849.4(SUCLG1):c.98-9A>G

Gene: SUCLG1 (succinate-CoA ligase GDP/ADP-forming subunit alpha; minus strand). Cytogenetic location: 2p11.2.
Variant type: single nucleotide variant.
Coding change: c.98-9A>G on transcript NM_003849.4 (MANE Select); 9 bases into the intron before coding-DNA position 98, A replaced by G.
Molecular consequence: intron variant.
Genome position (GRCh38, 1-based): chr2:84,449,761, T>C on the plus strand (A>G on the coding strand, the complement: SUCLG1 is on the minus strand). VCF-style: chr2-84449761-T-C. GRCh37 (hg19) VCF-style: chr2-84676885-T-C.
Identifiers: ClinVar variation 2038468 (VCV002038468.2), dbSNP rs376736454, ClinGen allele CA1736427.
Genomic context (GRCh38, chr2:84,449,761, plus strand): 5'-AGATGTTGCCGAGAAGCTGTGTAGGAACAATGCCGAATTCCATTCTGCGGCACTAAGAGG[T>C]TAAAAAAAAAAAAAAAAAAAAAAAAAGACACATTATAATTTTTCTAAACTTTTGAACAAT-3'